The following is an entry in ClinVar:

NM_001195263.2(PDZD7):c.502C>T (p.Arg168Cys)

Gene: PDZD7 (PDZ domain containing 7; minus strand). Cytogenetic location: 10q24.31.
Variant type: single nucleotide variant.
Coding change: c.502C>T on transcript NM_001195263.2 (MANE Select); coding-DNA position 502, C replaced by T.
Protein change: p.Arg168Cys; replaces arginine 168 with cysteine.
Molecular consequence: missense variant.
Genome position (GRCh38, 1-based): chr10:101,023,476, G>A on the plus strand (C>T on the coding strand, the complement: PDZD7 is on the minus strand). VCF-style: chr10-101023476-G-A. GRCh37 (hg19) VCF-style: chr10-102783233-G-A.
Other names: c.502C>T, p.Arg168Cys (NM_001351044.2, NM_024895.5); c.502C>T (NM_001195263.1); short protein forms R168C.
Identifiers: ClinVar variation 1523565 (VCV001523565.10), dbSNP rs1054390142, ClinGen allele CA212989021.
Genomic context (GRCh38, chr10:101,023,476, plus strand): 5'-ATGAGGGAGTTGCTGCTCACCACGTGGTCTTCTCCTTGGAGAACTTGATGCCCGGCACAC[G>A]GCCCATGCGCCGAACCATCATGTGCAGGCGGCTGCTGCTGGTCAGCACCTTTACGGCGCT-3'
Protein context (NP_001182192.1, residues 158-178): RLHMMVRRMG[Arg168Cys]VPGIKFSKEK

ClinVar aggregate classification (germline): Uncertain significance. Review status: criteria provided, multiple submitters, no conflicts (2 of 4 stars). 2 submissions from 2 submitters: Uncertain significance (2). Last evaluated 2025-08-25.

Conditions:
Inborn genetic diseases. Identifiers: MedGen C0950123, MeSH D030342.

gnomAD v4.1: 4 of 1,614,074 alleles (0.00025%); highest among the groups gnomAD compares: South Asian, 0.0011%; no homozygotes.

Submissions (2):

Ambry Genetics
Classification: Uncertain significance for Inborn genetic diseases. Last evaluated: 2025-08-25. Review status: criteria provided, single submitter. Criteria: Ambry Variant Classification Scheme 2023. Collection method: clinical testing. Allele origin: germline.

Labcorp Genetics (formerly Invitae), Labcorp
Classification: Uncertain significance. Last evaluated: 2022-01-16. Review status: criteria provided, single submitter. Criteria: Invitae Variant Classification Sherloc (09022015). Collection method: clinical testing. Allele origin: germline.
Comment: In summary, the available evidence is currently insufficient to determine the role of this variant in disease. Therefore, it has been classified as a Variant of Uncertain Significance. Algorithms developed to predict the effect of missense changes on protein structure and function are either unavailable or do not agree on the potential impact of this missense change (SIFT: "Deleterious"; PolyPhen-2: "Not Available"; Align-GVGD: "Class C55"). This variant has not been reported in the literature in individuals affected with PDZD7-related conditions. This variant is present in population databases (no rsID available, gnomAD 0.004%). This sequence change replaces arginine, which is basic and polar, with cysteine, which is neutral and slightly polar, at codon 168 of the PDZD7 protein (p.Arg168Cys).